The following is an entry in ClinVar:

NM_001243133.2(NLRP3):c.526C>T (p.Arg176Trp)

Gene: NLRP3 (NLR family pyrin domain containing 3; plus strand). Cytogenetic location: 1q44.
Variant type: single nucleotide variant.
Coding change: c.526C>T on transcript NM_001243133.2 (MANE Select); coding-DNA position 526, C replaced by T.
Protein change: p.Arg176Trp; replaces arginine 176 with tryptophan.
Molecular consequence: missense variant.
Genome position (GRCh38, 1-based): chr1:247,423,975, C>T. VCF-style: chr1-247423975-C-T. GRCh37 (hg19) VCF-style: chr1-247587277-C-T.
Other names: c.526C>T, p.Arg176Trp (NM_001079821.3, NM_001127461.3, NM_001127462.3 and 1 more transcripts); c.532C>T, p.Arg178Trp (NM_004895.5); short protein forms R176W, R178W.
Identifiers: ClinVar variation 1303903 (VCV001303903.45), dbSNP rs201867990, ClinGen allele CA1494884.

ClinVar aggregate classification (germline): Conflicting classifications of pathogenicity. Review status: criteria provided, conflicting classifications (1 of 4 stars). 7 submissions from 7 submitters: Uncertain significance (6); Likely benign (1). Last evaluated 2025-11-11.

Conditions:
NLRP3-related disorder. Also called: NLRP3-related condition; NLRP3-Related Disorders.
Cryopyrin associated periodic syndrome (CAPS). Identifiers: Orphanet 208650, MedGen C2316212, MONDO:0016168.
Familial cold autoinflammatory syndrome 1 (FCAS1). Also called: CRYOPYRIN-ASSOCIATED PERIODIC SYNDROME 1; Familial cold inflammatory syndrome 1. Identifiers: Orphanet 47045, MedGen C4551895, MONDO:0007349, OMIM 120100.
Chronic infantile neurological, cutaneous and articular syndrome (CINCA). Also called: Prieur Griscelli syndrome; CINCA syndrome; CHRONIC NEUROLOGIC CUTANEOUS AND ARTICULAR SYNDROME; CRYOPYRIN-ASSOCIATED PERIODIC SYNDROME 3. Identifiers: Orphanet 1451, MedGen C0409818, MONDO:0011776, OMIM 607115.
Keratitis fugax hereditaria. Also called: KERATOENDOTHELIITIS FUGAX HEREDITARIA. Identifiers: Orphanet 647815, MedGen C1835697, MONDO:0007849, OMIM 148200.
Familial amyloid nephropathy with urticaria AND deafness (MWS). Also called: UDA SYNDROME; URTICARIA-DEAFNESS-AMYLOIDOSIS SYNDROME; MUCKLE-WELLS SYNDROME; Urticaria, deafness and amyloidosis; CRYOPYRIN-ASSOCIATED PERIODIC SYNDROME 2. Identifiers: Orphanet 575, MedGen C0268390, MONDO:0008633, OMIM 191900.
Hearing loss, autosomal dominant 34, with or without inflammation. Also called: DEAFNESS, AUTOSOMAL DOMINANT 34, WITH OR WITHOUT INFLAMMATION. Identifiers: MedGen C4521680, MONDO:0033261, OMIM 617772.

Allele frequency attached by ClinVar (database versions not stated): TOPMed 0.00008; gnomAD 0.00009 and 0.00010; gnomAD exomes 0.00003 and 0.00004; ExAC 0.00004.
gnomAD v4.1: 55 of 1,613,824 alleles (0.0034%); highest among the groups gnomAD compares: Middle Eastern, 0.033%; no homozygotes.

Submissions (7):

Labcorp Genetics (formerly Invitae), Labcorp
Classification: Uncertain significance for Cryopyrin associated periodic syndrome. Last evaluated: 2025-11-11. Review status: criteria provided, single submitter. Criteria: Invitae Variant Classification Sherloc (09022015). Collection method: clinical testing. Allele origin: germline.
Comment: This sequence change replaces arginine, which is basic and polar, with tryptophan, which is neutral and slightly polar, at codon 178 of the NLRP3 protein (p.Arg178Trp). This variant is present in population databases (rs201867990, gnomAD 0.006%). This missense change has been observed in individual(s) with clinical features of cryopyrin-associated periodic syndrome (PMID: 27994174). This variant is also known as c.526C>T; p.Arg176Trp. ClinVar contains an entry for this variant (Variation ID: 1303903). Invitae Evidence Modeling of protein sequence and biophysical properties (such as structural, functional, and spatial information, amino acid conservation, physicochemical variation, residue mobility, and thermodynamic stability) has been performed for this missense variant. However, the output from this modeling did not meet the statistical confidence thresholds required to predict the impact of this variant on NLRP3 protein function. In summary, the available evidence is currently insufficient to determine the role of this variant in disease. Therefore, it has been classified as a Variant of Uncertain Significance.

PreventionGenetics, part of Exact Sciences
Classification: Uncertain significance for NLRP3-related condition. Last evaluated: 2025-04-17. Review status: criteria provided, single submitter. Criteria: ACMG Guidelines, 2015. Collection method: clinical testing. Allele origin: germline.
Comment: The NLRP3 c.532C>T variant is predicted to result in the amino acid substitution p.Arg178Trp. This variant was reported in an individual with familial Mediterranean fever (Neocleous et al. 2016. PubMed ID: 27994174). This variant is reported in 0.0065% of alleles in individuals of South Asian descent in gnomAD. At this time, the clinical significance of this variant is uncertain due to the absence of conclusive functional and genetic evidence.

Blueprint Genetics
Classification: Likely benign. Last evaluated: 2024-11-19. Review status: criteria provided, single submitter. Criteria: ACMG Guidelines, 2015. Collection method: clinical testing. Allele origin: germline.

Fulgent Genetics
Classification: Uncertain significance for Familial cold autoinflammatory syndrome 1; Keratitis fugax hereditaria; Familial amyloid nephropathy with urticaria AND deafness; Chronic infantile neurological, cutaneous and articular syndrome; Hearing loss, autosomal dominant 34, with or without inflammation. Last evaluated: 2024-03-04. Review status: criteria provided, single submitter. Criteria: ACMG Guidelines, 2015. Collection method: clinical testing. Allele origin: germline.

CeGaT Center for Human Genetics Tuebingen
Classification: Uncertain significance. Last evaluated: 2024-02-01. Review status: criteria provided, single submitter. Criteria: CeGaT Center For Human Genetics Tuebingen Variant Classification Criteria Version 2. Collection method: clinical testing. Allele origin: germline. Affected: yes. Observed: 4 variant alleles.

Women's Health and Genetics/Laboratory Corporation of America, LabCorp
Classification: Uncertain significance. Last evaluated: 2022-05-10. Review status: criteria provided, single submitter. Criteria: LabCorp Variant Classification Summary - May 2015. Collection method: clinical testing. Allele origin: germline.
Comment: Variant summary: NLRP3 c.532C>T (p.Arg178Trp) results in a non-conservative amino acid change located in the NACHT-associated domain (IPR029495) of the encoded protein sequence. Three of five in-silico tools predict a damaging effect of the variant on protein function. The variant allele was found at a frequency of 4.4e-05 in 250964 control chromosomes. This frequency does not allow conclusions about variant significance. Therefore, is not consistent with an autosomal dominant of inheritance reported for CAPS. These report(s) do not provide unequivocal conclusions about association of the variant with NLRP3-Related Disorders. To our knowledge, no experimental evidence demonstrating an impact on protein function has been reported. Three clinical diagnostic laboratories have submitted clinical-significance assessments for this variant to ClinVar after 2014 without evidence for independent evaluation. All laboratories classified the variant as uncertain significance. Based on the evidence outlined above, the variant was classified as uncertain significance.

GeneDx
Classification: Uncertain significance. Last evaluated: 2019-07-19. Review status: criteria provided, single submitter. Criteria: GeneDx Variant Classification Process June 2021. Collection method: clinical testing. Allele origin: germline. Affected: yes.
Comment: Reported in an individual with hereditary recurrent fevers without hearing loss in published literature; the variant was also reported in the unaffected father of this individual (Neocleous et al., 2016); In silico analysis, which includes protein predictors and evolutionary conservation, supports that this variant does not alter protein structure/function; This variant is associated with the following publications: (PMID: 27994174)

Literature cited by the submitters: PubMed 27994174 (cited by Labcorp Genetics (formerly Invitae), Labcorp and Women's Health and Genetics/Laboratory Corporation of America, LabCorp).